The following is an entry in ClinVar:

ClinVar aggregate classification (germline): Uncertain significance (1 of 4 stars; one submission).

Allele frequency attached by ClinVar (database versions not stated): gnomAD exomes below 0.00001; gnomAD 0.00001.
gnomAD v4.1: 6 of 1,279,144 alleles (0.00047%); highest among the groups gnomAD compares: African/African-American, 0.0063%; no homozygotes.

Submission:

Labcorp Genetics (formerly Invitae), Labcorp
Classification: Uncertain significance. Last evaluated: 2022-06-09. Review status: criteria provided, single submitter. Criteria: Invitae Variant Classification Sherloc (09022015). Collection method: clinical testing. Allele origin: germline.
Comment: Algorithms developed to predict the effect of missense changes on protein structure and function are either unavailable or do not agree on the potential impact of this missense change (SIFT: "Deleterious"; PolyPhen-2: "Not Available"; Align-GVGD: "Class C0"). In summary, the available evidence is currently insufficient to determine the role of this variant in disease. Therefore, it has been classified as a Variant of Uncertain Significance. This variant has not been reported in the literature in individuals affected with PDZD7-related conditions. This variant is present in population databases (no rsID available, gnomAD 0.01%). This sequence change replaces alanine, which is neutral and non-polar, with valine, which is neutral and non-polar, at codon 731 of the PDZD7 protein (p.Ala731Val).

NM_001195263.2(PDZD7):c.2192C>T (p.Ala731Val)

Gene: PDZD7 (PDZ domain containing 7; minus strand). Cytogenetic location: 10q24.31.
Variant type: single nucleotide variant.
Coding change: c.2192C>T on transcript NM_001195263.2 (MANE Select); coding-DNA position 2192, C replaced by T.
Protein change: p.Ala731Val; replaces alanine 731 with valine.
Molecular consequence: missense variant.
Genome position (GRCh38, 1-based): chr10:101,010,697, G>A on the plus strand (C>T on the coding strand, the complement: PDZD7 is on the minus strand). VCF-style: chr10-101010697-G-A. GRCh37 (hg19) VCF-style: chr10-102770454-G-A.
Other names: short protein forms A731V.
Identifiers: ClinVar variation 1981157 (VCV001981157.4), dbSNP rs1471797230, ClinGen allele CA378224967.